The following is an entry in ClinVar:

ClinVar aggregate classification (germline): Uncertain significance (1 of 4 stars; one submission).

Allele frequency attached by ClinVar (database versions not stated): gnomAD 0.00001.
gnomAD v4.1: 1 of 1,614,176 alleles (0.000062%); highest among the groups gnomAD compares: African/African-American, 0.0013%; no homozygotes.

Submission:

CeGaT Center for Human Genetics Tuebingen
Classification: Uncertain significance. Last evaluated: 2024-06-01. Review status: criteria provided, single submitter. Criteria: CeGaT Center For Human Genetics Tuebingen Variant Classification Criteria Version 2. Collection method: clinical testing. Allele origin: germline. Affected: yes. Observed: 1 variant allele.
Comment: CACNA1S: PM2, PP3

NM_000069.3(CACNA1S):c.861G>C (p.Gln287His)

Gene: CACNA1S (calcium voltage-gated channel subunit alpha1 S; minus strand). Cytogenetic location: 1q32.1.
Variant type: single nucleotide variant.
Coding change: c.861G>C on transcript NM_000069.3 (MANE Select); coding-DNA position 861, G replaced by C.
Protein change: p.Gln287His; replaces glutamine 287 with histidine.
Molecular consequence: missense variant.
Genome position (GRCh38, 1-based): chr1:201,089,297, C>G on the plus strand (G>C on the coding strand, the complement: CACNA1S is on the minus strand). VCF-style: chr1-201089297-C-G. GRCh37 (hg19) VCF-style: chr1-201058425-C-G.
Other names: short protein forms Q287H.
Identifiers: ClinVar variation 3251080 (VCV003251080.18), dbSNP rs1456438022.